The following is an entry in ClinVar:

NM_000440.3(PDE6A):c.1702G>A (p.Gly568Arg)

Gene: PDE6A (phosphodiesterase 6A; minus strand). Cytogenetic location: 5q32.
Variant type: single nucleotide variant.
Coding change: c.1702G>A on transcript NM_000440.3 (MANE Select); coding-DNA position 1702, G replaced by A.
Protein change: p.Gly568Arg; replaces glycine 568 with arginine.
Molecular consequence: missense variant.
Genome position (GRCh38, 1-based): chr5:149,895,209, C>T on the plus strand (G>A on the coding strand, the complement: PDE6A is on the minus strand). VCF-style: chr5-149895209-C-T. GRCh37 (hg19) VCF-style: chr5-149274772-C-T.
Other names: short protein forms G568R.
Identifiers: ClinVar variation 1065736 (VCV001065736.4), dbSNP rs2113582384, ClinGen allele CA361695089.

ClinVar aggregate classification (germline): Conflicting classifications of pathogenicity. Review status: criteria provided, conflicting classifications (1 of 4 stars). 3 submissions from 3 submitters: Likely pathogenic (1); Uncertain significance (2). Last evaluated 2021-04-14.

Conditions:
PDE6A-related disorder. Also called: PDE6A-related condition.
Retinitis pigmentosa (RP). Identifiers: Orphanet 791, MedGen C0035334, MeSH D012174, MONDO:0019200, OMIM 268000. Inheritance: Autosomal dominant, autosomal recessive and X linked inheritance.
Retinitis pigmentosa 43 (RP43). Identifiers: Orphanet 791, MedGen C3151139, MONDO:0013437, OMIM 613810.

Submissions (3):

Blueprint Genetics
Classification: Likely pathogenic for PDE6A-related disorders. Last evaluated: 2021-04-14. Review status: criteria provided, single submitter. Criteria: ACMG Guidelines, 2015. Collection method: clinical testing. Allele origin: germline. Affected: yes. Observed: 3 variant alleles.

Ocular Genomics Institute, Massachusetts Eye and Ear
Classification: Uncertain significance for Retinitis pigmentosa 43. Last evaluated: 2021-04-08. Review status: criteria provided, single submitter. Criteria: ACMG Guidelines, 2015. Collection method: research. Allele origin: germline. Affected: yes.
Comment: Through a review of available evidence we were able to apply the following criteria: PM2, PM3. Based on this evidence we have classified this variant as Variant of Uncertain Significance.

Broad Center for Mendelian Genomics, Broad Institute of MIT and Harvard
Classification: Uncertain significance for Retinitis pigmentosa. Last evaluated: 2021-04-01. Review status: criteria provided, single submitter. Criteria: ACMG Guidelines, 2015. Collection method: curation. Allele origin: germline. Inheritance: Autosomal recessive inheritance. Affected: yes.
Comment: Through a review of available evidence we were able to apply the following criteria: PM2. Based on this evidence we have classified this variant as a Variant of Uncertain Significance. If you have any questions about the classification please reach out to the Pierce Lab.

Literature cited by the submitters: PubMed 34906470 (cited by Broad Center for Mendelian Genomics, Broad Institute of MIT and Harvard).